The following is an entry in ClinVar:

NM_014795.4(ZEB2):c.3196C>T (p.His1066Tyr)

Gene: ZEB2 (zinc finger E-box binding homeobox 2; minus strand). Cytogenetic location: 2q22.3.
Variant type: single nucleotide variant.
Coding change: c.3196C>T on transcript NM_014795.4 (MANE Select); coding-DNA position 3196, C replaced by T.
Protein change: p.His1066Tyr; replaces histidine 1066 with tyrosine.
Molecular consequence: missense variant.
Genome position (GRCh38, 1-based): chr2:144,389,900, G>A on the plus strand (C>T on the coding strand, the complement: ZEB2 is on the minus strand). VCF-style: chr2-144389900-G-A. GRCh37 (hg19) VCF-style: chr2-145147467-G-A.
Other names: c.3124C>T, p.His1042Tyr (NM_001171653.2); short protein forms H1042Y, H1066Y.
Identifiers: ClinVar variation 837537 (VCV000837537.7), dbSNP rs1703134304, ClinGen allele CA348700424.
Genomic context (GRCh38, chr2:144,389,900, plus strand): 5'-CCGCCTCCCGCTTGCAGTAGGAATACCTGTGATTCATGTGCTGCGAGTACGAGCCCGAGT[G>A]TGAGAAGCGCTTGCCACATTTATCACACTGATAGGGCTTCTCGCCCGAGTGAAGCCTTGA-3'
Protein context (NP_055610.1, residues 1056-1076): QCDKCGKRFS[His1066Tyr]SGSYSQHMNH

ClinVar aggregate classification (germline): Uncertain significance (1 of 4 stars; one submission).

Conditions:
Mowat-Wilson syndrome (MOWS). Also called: Classic Mowat-Wilson Syndrome. Identifiers: Orphanet 2152, MedGen C1856113, MONDO:0009341, OMIM 235730.

Submission:

Labcorp Genetics (formerly Invitae), Labcorp
Classification: Uncertain significance for Mowat-Wilson syndrome. Last evaluated: 2024-05-22. Review status: criteria provided, single submitter. Criteria: Invitae Variant Classification Sherloc (09022015). Collection method: clinical testing. Allele origin: germline.
Comment: This sequence change replaces histidine, which is basic and polar, with tyrosine, which is neutral and polar, at codon 1066 of the ZEB2 protein (p.His1066Tyr). This variant is not present in population databases (gnomAD no frequency). This variant has not been reported in the literature in individuals affected with ZEB2-related conditions. ClinVar contains an entry for this variant (Variation ID: 837537). Advanced modeling performed at Invitae incorporating data from internal and/or published experimental studies (Invitae) indicates that this missense variant is not expected to disrupt ZEB2 function with a negative predictive value of 95%. In summary, the available evidence is currently insufficient to determine the role of this variant in disease. Therefore, it has been classified as a Variant of Uncertain Significance.